The following is an entry in ClinVar:

NM_001845.6(COL4A1):c.4407C>T (p.His1469=)

Gene: COL4A1 (collagen type IV alpha 1 chain; minus strand). Cytogenetic location: 13q34.
Variant type: single nucleotide variant.
Coding change: c.4407C>T on transcript NM_001845.6 (MANE Select); coding-DNA position 4407, C replaced by T.
Protein change: p.His1469=; no amino-acid change (histidine 1469 retained).
Molecular consequence: synonymous variant.
Genome position (GRCh38, 1-based): chr13:110,162,285, G>A on the plus strand (C>T on the coding strand, the complement: COL4A1 is on the minus strand). VCF-style: chr13-110162285-G-A. GRCh37 (hg19) VCF-style: chr13-110814632-G-A.
Other names: c.4407C>T (NM_001845.5).
Identifiers: ClinVar variation 1627937 (VCV001627937.11), dbSNP rs149068853, ClinGen allele CA7046945.

ClinVar aggregate classification (germline): Likely benign. Review status: criteria provided, multiple submitters, no conflicts (2 of 4 stars). 3 submissions from 3 submitters: Likely benign (2). 1 of the submissions does not count toward it. Last evaluated 2025-06-29.

Conditions:
COL4A1-related disorder. Also called: COL4A1-related condition; COL4A1-related disorders. Identifiers: MedGen CN376119, MONDO:0800461.

Allele frequency attached by ClinVar (database versions not stated): gnomAD 0.00003 and 0.00004; TOPMed 0.00003; ExAC 0.00005; gnomAD exomes 0.00005; ESP Exome Variant Server 0.00008; 1000 Genomes Project 30x 0.00016; 1000 Genomes Project 0.00020.
gnomAD v4.1: 60 of 1,614,208 alleles (0.0037%); highest among the groups gnomAD compares: African/African-American, 0.008%; no homozygotes.

Submissions (3):

Labcorp Genetics (formerly Invitae), Labcorp
Classification: Likely benign. Last evaluated: 2025-06-29. Review status: criteria provided, single submitter. Criteria: Invitae Variant Classification Sherloc (09022015). Collection method: clinical testing. Allele origin: germline.

Blueprint Genetics
Classification: Likely benign. Last evaluated: 2024-09-30. Review status: criteria provided, single submitter. Criteria: ACMG Guidelines, 2015. Collection method: clinical testing. Allele origin: germline.

PreventionGenetics, part of Exact Sciences
Classification: Likely benign for COL4A1-related condition. Last evaluated: 2023-09-19. Review status: no assertion criteria provided. Collection method: clinical testing. Allele origin: germline. Not counted in ClinVar's aggregate classification.
Comment: This variant is classified as likely benign based on ACMG/AMP sequence variant interpretation guidelines (Richards et al. 2015 PMID: 25741868, with internal and published modifications).